The following is an entry in ClinVar:

ClinVar aggregate classification (germline): Conflicting classifications of pathogenicity. Review status: criteria provided, conflicting classifications (1 of 4 stars). 5 submissions from 5 submitters: Uncertain significance (3); Likely benign (1). 1 of the submissions does not count toward it. Last evaluated 2026-02-01.

Conditions:
Hereditary cancer-predisposing syndrome. Also called: Hereditary neoplastic syndrome; Neoplastic Syndromes, Hereditary; Tumor predisposition; Hereditary Cancer Syndrome. Identifiers: Orphanet 140162, MedGen C0027672, MeSH D009386, MONDO:0015356.
Ataxia-telangiectasia syndrome (AT). Also called: ATAXIA-TELANGIECTASIA, COMPLEMENTATION GROUP A; ATAXIA-TELANGIECTASIA, FRESNO VARIANT; Ataxia-telangiectasia, complementation group D; AT, COMPLEMENTATION GROUP C; Cerebello-oculocutaneous telangiectasia; Immunodeficiency with ataxia telangiectasia. Identifiers: Orphanet 100, MedGen C0004135, MONDO:0008840, OMIM 208900.
Familial cancer of breast. Also called: BREAST CANCER, FAMILIAL; Hereditary breast cancer; hereditary breast carcinoma. Identifiers: Orphanet 227535, MedGen C0346153, MONDO:0016419, OMIM 114480. Disease mechanism: loss of function.

Allele frequency attached by ClinVar (database versions not stated): gnomAD exomes below 0.00001; gnomAD 0.00001.
gnomAD v4.1: 3 of 1,613,480 alleles (0.00019%); highest among the groups gnomAD compares: Non-Finnish European, 0.00025%; no homozygotes.

Submissions (5):

Labcorp Genetics (formerly Invitae), Labcorp
Classification: Uncertain significance for Ataxia-telangiectasia syndrome. Last evaluated: 2026-02-01. Review status: criteria provided, single submitter. Criteria: Invitae Variant Classification Sherloc (09022015). Collection method: clinical testing. Allele origin: germline.
Comment: This sequence change replaces glutamic acid, which is acidic and polar, with alanine, which is neutral and non-polar, at codon 1666 of the ATM protein (p.Glu1666Ala). This variant is present in population databases (no rsID available, gnomAD 0.007%). This variant has not been reported in the literature in individuals affected with ATM-related conditions. ClinVar contains an entry for this variant (Variation ID: 1043495). Invitae Evidence Modeling of protein sequence and biophysical properties (such as structural, functional, and spatial information, amino acid conservation, physicochemical variation, residue mobility, and thermodynamic stability) indicates that this missense variant is not expected to disrupt ATM protein function with a negative predictive value of 95%. Algorithms developed to predict the effect of sequence changes on RNA splicing suggest that this variant may disrupt the consensus splice site. In summary, the available evidence is currently insufficient to determine the role of this variant in disease. Therefore, it has been classified as a Variant of Uncertain Significance.

Ambry Genetics
Classification: Likely benign for Hereditary cancer-predisposing syndrome. Last evaluated: 2025-05-20. Review status: criteria provided, single submitter. Criteria: Ambry Variant Classification Scheme 2023. Collection method: clinical testing. Allele origin: germline.

Baylor Genetics
Classification: Uncertain significance for Familial cancer of breast. Last evaluated: 2023-10-05. Review status: criteria provided, single submitter. Criteria: ACMG Guidelines, 2015. Collection method: clinical testing. Allele origin: unknown.

Institute for Clinical Genetics, University Hospital TU Dresden, University Hospital TU Dresden
Classification: Uncertain significance. Last evaluated: 2021-11-03. Review status: criteria provided, single submitter. Criteria: ACMG Guidelines, 2015. Collection method: clinical testing. Allele origin: germline.

Natera, Inc.
Classification: Uncertain significance for Ataxia-telangiectasia. Last evaluated: 2020-08-31. Review status: no assertion criteria provided. Collection method: clinical testing. Allele origin: germline. Not counted in ClinVar's aggregate classification.

NM_000051.4(ATM):c.4997A>C (p.Glu1666Ala)

Gene: ATM (ATM serine/threonine kinase; plus strand). Cytogenetic location: 11q22.3.
Variant type: single nucleotide variant.
Coding change: c.4997A>C on transcript NM_000051.4 (MANE Select); coding-DNA position 4997, A replaced by C.
Protein change: p.Glu1666Ala; replaces glutamic acid 1666 with alanine.
Molecular consequence: missense variant.
Genome position (GRCh38, 1-based): chr11:108,297,374, A>C. VCF-style: chr11-108297374-A-C. GRCh37 (hg19) VCF-style: chr11-108168101-A-C.
Other names: c.4997A>C, p.Glu1666Ala (NM_001351834.2); short protein forms E1666A.
Identifiers: ClinVar variation 1043495 (VCV001043495.36), dbSNP rs1457261046, ClinGen allele CA382538563.